The following is an entry in ClinVar:

NM_006662.3(SRCAP):c.9307G>A (p.Gly3103Arg)

Gene: SRCAP (Snf2 related CREBBP activator protein; plus strand). Cytogenetic location: 16p11.2.
Variant type: single nucleotide variant.
Coding change: c.9307G>A on transcript NM_006662.3 (MANE Select); coding-DNA position 9307, G replaced by A.
Protein change: p.Gly3103Arg; replaces glycine 3103 with arginine.
Molecular consequence: missense variant.
Genome position (GRCh38, 1-based): chr16:30,739,347, G>A. VCF-style: chr16-30739347-G-A. GRCh37 (hg19) VCF-style: chr16-30750668-G-A.
Other names: short protein forms G3103R.
Identifiers: ClinVar variation 2900976 (VCV002900976.6), dbSNP rs774049834, ClinGen allele CA8012890.

ClinVar aggregate classification (germline): Conflicting classifications of pathogenicity. Review status: criteria provided, conflicting classifications (1 of 4 stars). 3 submissions from 3 submitters: Uncertain significance (2); Likely benign (1). Last evaluated 2026-06-01.

Conditions:
Floating-Harbor syndrome (FLHS). Also called: Short stature with delayed bone age, expressive language delay, a triangular face with a prominent nose and deep-set eyes; Pelletier-Leisti syndrome; SRCAP-Related Floating-Harbor Syndrome. Identifiers: Orphanet 2044, MedGen C0729582, MONDO:0007621, OMIM 136140.
Developmental delay, hypotonia, musculoskeletal defects, and behavioral abnormalities. Identifiers: MedGen C5562012, MONDO:0859202, OMIM 619595.

Allele frequency attached by ClinVar (database versions not stated): gnomAD 0.00002; TOPMed 0.00003 and 0.00004.
gnomAD v4.1: 36 of 1,614,038 alleles (0.0022%); highest among the groups gnomAD compares: Non-Finnish European, 0.0029%; no homozygotes.

Submissions (3):

CeGaT Center for Human Genetics Tuebingen
Classification: Likely benign. Last evaluated: 2026-06-01. Review status: criteria provided, single submitter. Criteria: CeGaT Center For Human Genetics Tuebingen Variant Classification Criteria Version 2. Collection method: clinical testing. Allele origin: germline. Affected: yes. Observed: 1 variant allele.
Comment: SRCAP: BP1

Labcorp Genetics (formerly Invitae), Labcorp
Classification: Uncertain significance. Last evaluated: 2025-10-15. Review status: criteria provided, single submitter. Criteria: Invitae Variant Classification Sherloc (09022015). Collection method: clinical testing. Allele origin: germline.
Comment: This sequence change replaces glycine, which is neutral and non-polar, with arginine, which is basic and polar, at codon 3103 of the SRCAP protein (p.Gly3103Arg). This variant is present in population databases (rs774049834, gnomAD 0.006%). This variant has not been reported in the literature in individuals affected with SRCAP-related conditions. ClinVar contains an entry for this variant (Variation ID: 2900976). Invitae Evidence Modeling of protein sequence and biophysical properties (such as structural, functional, and spatial information, amino acid conservation, physicochemical variation, residue mobility, and thermodynamic stability) indicates that this missense variant is not expected to disrupt SRCAP protein function with a negative predictive value of 80%. In summary, the available evidence is currently insufficient to determine the role of this variant in disease. Therefore, it has been classified as a Variant of Uncertain Significance.

Fulgent Genetics
Classification: Uncertain significance for Floating-Harbor syndrome; Developmental delay, hypotonia, musculoskeletal defects, and behavioral abnormalities. Last evaluated: 2024-01-15. Review status: criteria provided, single submitter. Criteria: ACMG Guidelines, 2015. Collection method: clinical testing. Allele origin: germline.